The following is an entry in ClinVar:

NM_000051.4(ATM):c.5609dup (p.Thr1871fs)

Gene: ATM (ATM serine/threonine kinase; plus strand). Cytogenetic location: 11q22.3.
Variant type: Duplication.
Coding change: c.5609dup on transcript NM_000051.4 (MANE Select); coding-DNA position 5609, one base duplicated (T; older notation c.5609dupT).
Protein change: p.Thr1871fs; shifts the reading frame from threonine 1871.
Molecular consequence: frameshift variant.
Genome position (GRCh38, 1-based): chr11:108,304,787, T duplicated; the last of 5 consecutive T bases (chr11:108,304,783-108,304,787); duplicating any one gives the same sequence. VCF-style (leftmost placement, unchanged base first): chr11-108304782-A-AT. GRCh37 (hg19) VCF-style: chr11-108175509-A-AT.
Other names: c.5609dup, p.Thr1871fs (NM_001351834.2); c.5609dupT (NM_000051.3); short protein forms T1871fs.
Identifiers: ClinVar variation 918825 (VCV000918825.13), dbSNP rs2083601046, ClinGen allele CA913188467.

ClinVar aggregate classification (germline): Pathogenic. Review status: criteria provided, multiple submitters, no conflicts (2 of 4 stars). 3 submissions from 3 submitters: Pathogenic (3). Last evaluated 2024-12-18.

Conditions:
Hereditary cancer-predisposing syndrome. Also called: Hereditary Cancer Syndrome; Hereditary neoplastic syndrome; Neoplastic Syndromes, Hereditary; Tumor predisposition. Identifiers: Orphanet 140162, MedGen C0027672, MeSH D009386, MONDO:0015356.
Ataxia-telangiectasia syndrome (AT). Also called: Ataxia-telangiectasia, complementation group E; LOUIS-BAR SYNDROME; Cerebello-oculocutaneous telangiectasia; Immunodeficiency with ataxia telangiectasia; Ataxia-telangiectasia, complementation group D; AT, COMPLEMENTATION GROUP C. Identifiers: Orphanet 100, MedGen C0004135, MONDO:0008840, OMIM 208900.

Submissions (3):

Labcorp Genetics (formerly Invitae), Labcorp
Classification: Pathogenic for Ataxia-telangiectasia syndrome. Last evaluated: 2024-12-18. Review status: criteria provided, single submitter. Criteria: Invitae Variant Classification Sherloc (09022015). Collection method: clinical testing. Allele origin: germline.
Comment: This sequence change creates a premature translational stop signal (p.Thr1871Hisfs*33) in the ATM gene. It is expected to result in an absent or disrupted protein product. Loss-of-function variants in ATM are known to be pathogenic (PMID: 23807571, 25614872). This variant is not present in population databases (gnomAD no frequency). This variant has not been reported in the literature in individuals affected with ATM-related conditions. ClinVar contains an entry for this variant (Variation ID: 918825). For these reasons, this variant has been classified as Pathogenic.

Ambry Genetics
Classification: Pathogenic for Hereditary cancer-predisposing syndrome. Last evaluated: 2024-08-27. Review status: criteria provided, single submitter. Criteria: Ambry Variant Classification Scheme 2023. Collection method: clinical testing. Allele origin: germline.
Comment: The c.5609dupT pathogenic mutation, located in coding exon 36 of the ATM gene, results from a duplication of T at nucleotide position 5609, causing a translational frameshift with a predicted alternate stop codon (p.T1871Hfs*33). This variant is considered to be rare based on population cohorts in the Genome Aggregation Database (gnomAD). This alteration is expected to result in loss of function by premature protein truncation or nonsense-mediated mRNA decay. As such, this alteration is interpreted as a disease-causing mutation.

Color Diagnostics, LLC DBA Color Health
Classification: Pathogenic for Hereditary cancer-predisposing syndrome. Last evaluated: 2020-01-15. Review status: criteria provided, single submitter. Criteria: ACMG Guidelines, 2015. Collection method: clinical testing. Allele origin: germline.
Comment: This variant inserts 1 nucleotide in exon 37 of the ATM gene, creating a frameshift and premature translation stop signal. This variant is expected to result in an absent or non-functional protein product. This variant has not been identified in the general population by the Genome Aggregation Database (gnomAD). Loss of ATM function is a known mechanism of disease. Based on the available evidence, this variant is classified as Pathogenic.

Literature cited by the submitters: PubMed 23807571 (cited by Labcorp Genetics (formerly Invitae), Labcorp); PubMed 25614872 (cited by Labcorp Genetics (formerly Invitae), Labcorp).